The following is an entry in ClinVar:

NM_000548.5(TSC2):c.4078G>A (p.Glu1360Lys)

Gene: TSC2 (TSC complex subunit 2; plus strand). Cytogenetic location: 16p13.3.
Variant type: single nucleotide variant.
Coding change: c.4078G>A on transcript NM_000548.5 (MANE Select); coding-DNA position 4078, G replaced by A.
Protein change: p.Glu1360Lys; replaces glutamic acid 1360 with lysine.
Molecular consequence: missense variant.
Genome position (GRCh38, 1-based): chr16:2,084,300, G>A. VCF-style: chr16-2084300-G-A. GRCh37 (hg19) VCF-style: chr16-2134301-G-A.
Other names: c.3877G>A, p.Glu1293Lys (NM_001077183.3); c.4009G>A, p.Glu1337Lys (NM_001114382.3); c.3769G>A, p.Glu1257Lys (NM_001318827.2); c.3733G>A, p.Glu1245Lys (NM_001318829.2); c.3346G>A, p.Glu1116Lys (NM_001318831.2); c.3910G>A, p.Glu1304Lys (NM_001318832.2); c.3880G>A, p.Glu1294Lys (NM_001363528.2); c.3946G>A, p.Glu1316Lys (NM_001370404.1); and 1 more; short protein forms E1360K, E1293K, E1304K, E1337K, E1294K, E1316K, E1116K, E1257K.
Identifiers: ClinVar variation 535922 (VCV000535922.21), dbSNP rs397514997, ClinGen allele CA050377.

ClinVar aggregate classification (germline): Conflicting classifications of pathogenicity. Review status: criteria provided, conflicting classifications (1 of 4 stars). 7 submissions from 7 submitters: Uncertain significance (2); Benign (1); Likely benign (4). Last evaluated 2025-09-03.

Conditions:
Hereditary cancer-predisposing syndrome. Also called: Neoplastic Syndromes, Hereditary; Tumor predisposition; Hereditary Cancer Syndrome; Hereditary neoplastic syndrome. Identifiers: Orphanet 140162, MedGen C0027672, MeSH D009386, MONDO:0015356.
Tuberous sclerosis syndrome (TSC). Also called: Tuberous Sclerosis Complex; Tuberous sclerosis. Identifiers: Orphanet 805, MedGen C0041341, MONDO:0001734.
Tuberous sclerosis 2 (TSC2). Identifiers: Orphanet 805, MedGen C1860707, MONDO:0013199, OMIM 613254.

Allele frequency attached by ClinVar (database versions not stated): gnomAD 0.00001; gnomAD exomes 0.00001 and 0.00002; TOPMed 0.00002; ExAC 0.00004.
gnomAD v4.1: 15 of 1,612,574 alleles (0.00093%); highest among the groups gnomAD compares: East Asian, 0.0022%; no homozygotes.

Submissions (7):

Labcorp Genetics (formerly Invitae), Labcorp
Classification: Benign for Tuberous sclerosis 2. Last evaluated: 2025-09-03. Review status: criteria provided, single submitter. Criteria: Invitae Variant Classification Sherloc (09022015). Collection method: clinical testing. Allele origin: germline.

Myriad Genetics, Inc.
Classification: Likely benign for Tuberous sclerosis 2. Last evaluated: 2025-06-02. Review status: criteria provided, single submitter. Criteria: Myriad Autosomal Dominant, Autosomal Recessive and X-Linked Classification Criteria (2023). Collection method: clinical testing. Allele origin: unknown.
Comment: This variant is considered likely benign. This variant has been observed at a population frequency that is significantly greater than expected given the associated disease prevalence and penetrance.

Ambry Genetics
Classification: Likely benign for Hereditary cancer-predisposing syndrome. Last evaluated: 2025-02-10. Review status: criteria provided, single submitter. Criteria: Ambry Variant Classification Scheme 2023. Collection method: clinical testing. Allele origin: germline.

Color Diagnostics, LLC DBA Color Health
Classification: Uncertain significance for Tuberous sclerosis syndrome. Last evaluated: 2024-04-24. Review status: criteria provided, single submitter. Criteria: ACMG Guidelines, 2015. Collection method: clinical testing. Allele origin: germline.
Comment: This missense variant replaces glutamic acid with lysine at codon 1360 of the TSC2 protein. Computational prediction is inconclusive regarding the impact of this variant on protein structure and function. To our knowledge, functional studies have not been reported for this variant. This variant has not been reported in individuals affected with tuberous sclerosis complex in the literature. This variant has been identified in 6/247534 chromosomes in the general population by the Genome Aggregation Database (gnomAD). The available evidence is insufficient to determine the role of this variant in disease conclusively. Therefore, this variant is classified as a Variant of Uncertain Significance.

Blueprint Genetics
Classification: Likely benign. Last evaluated: 2023-05-12. Review status: criteria provided, single submitter. Criteria: ACMG Guidelines, 2015. Collection method: clinical testing. Allele origin: germline.

Genome-Nilou Lab
Classification: Likely benign for Tuberous sclerosis 2. Last evaluated: 2021-11-07. Review status: criteria provided, single submitter. Criteria: ACMG Guidelines, 2015. Collection method: clinical testing. Allele origin: germline. Affected: no.

Human Genome Sequencing Center Clinical Lab, Baylor College of Medicine
Classification: Uncertain significance for Tuberous sclerosis type 2. Review status: criteria provided, single submitter. Criteria: ACMG Guidelines, 2015. Collection method: clinical testing. Allele origin: germline.